The following is an entry in ClinVar:

NM_144631.6(ZNF513):c.667C>T (p.Arg223Trp)

Gene: ZNF513 (zinc finger protein 513; minus strand). Cytogenetic location: 2p23.3.
Variant type: single nucleotide variant.
Coding change: c.667C>T on transcript NM_144631.6 (MANE Select); coding-DNA position 667, C replaced by T.
Protein change: p.Arg223Trp; replaces arginine 223 with tryptophan.
Molecular consequence: missense variant.
Genome position (GRCh38, 1-based): chr2:27,378,599, G>A on the plus strand (C>T on the coding strand, the complement: ZNF513 is on the minus strand). VCF-style: chr2-27378599-G-A. GRCh37 (hg19) VCF-style: chr2-27601466-G-A.
Other names: c.667C>T (NM_144631.5); c.481C>T, p.Arg161Trp (NM_001201459.2); short protein forms R161W, R223W.
Identifiers: ClinVar variation 1005724 (VCV001005724.9), dbSNP rs1683465083, ClinGen allele CA346217845.
Genomic context (GRCh38, chr2:27,378,599, plus strand): 5'-AGCGGAAGCCACAGGTCGGGCAGGGAGGAGTGGGGGGCCCTGCGTGGGTACGCTGATGCC[G>A]CCTCAGGTTGCCCAGGCTGCTGCAGGCAAAGGGGCAGTGGGGACAGCGGTAGGGCTTCTC-3'
Protein context (NP_653232.3, residues 213-233): FACSSLGNLR[Arg223Trp]HQRTHAGPPT

ClinVar aggregate classification (germline): Uncertain significance. Review status: criteria provided, multiple submitters, no conflicts (2 of 4 stars). 2 submissions from 2 submitters: Uncertain significance (2). Last evaluated 2024-07-07.

Allele frequency attached by ClinVar (database versions not stated): gnomAD exomes below 0.00001.
gnomAD v4.1: 3 of 1,613,872 alleles (0.00019%); highest among the groups gnomAD compares: Non-Finnish European, 0.00025%; no homozygotes.

Submissions (2):

Ambry Genetics
Classification: Uncertain significance. Last evaluated: 2024-07-07. Review status: criteria provided, single submitter. Criteria: Ambry Variant Classification Scheme 2023. Collection method: clinical testing. Allele origin: germline.

Labcorp Genetics (formerly Invitae), Labcorp
Classification: Uncertain significance. Last evaluated: 2022-11-22. Review status: criteria provided, single submitter. Criteria: Invitae Variant Classification Sherloc (09022015). Collection method: clinical testing. Allele origin: germline.
Comment: In summary, the available evidence is currently insufficient to determine the role of this variant in disease. Therefore, it has been classified as a Variant of Uncertain Significance. Algorithms developed to predict the effect of missense changes on protein structure and function (SIFT, PolyPhen-2, Align-GVGD) all suggest that this variant is likely to be disruptive. ClinVar contains an entry for this variant (Variation ID: 1005724). This variant has not been reported in the literature in individuals affected with ZNF513-related conditions. This variant is not present in population databases (gnomAD no frequency). This sequence change replaces arginine, which is basic and polar, with tryptophan, which is neutral and slightly polar, at codon 223 of the ZNF513 protein (p.Arg223Trp).